The following is an entry in ClinVar:

ClinVar aggregate classification (germline): Uncertain significance (1 of 4 stars; one submission).

Conditions:
Hereditary cancer-predisposing syndrome. Also called: Hereditary neoplastic syndrome; Neoplastic Syndromes, Hereditary; Tumor predisposition; Hereditary Cancer Syndrome. Identifiers: Orphanet 140162, MedGen C0027672, MeSH D009386, MONDO:0015356.

Submission:

Ambry Genetics
Classification: Uncertain significance for Hereditary cancer-predisposing syndrome. Last evaluated: 2025-01-13. Review status: criteria provided, single submitter. Criteria: Ambry Variant Classification Scheme 2023. Collection method: clinical testing. Allele origin: germline.
Comment: The p.P97Q variant (also known as c.290C>A), located in coding exon 1 of the ALK gene, results from a C to A substitution at nucleotide position 290. The proline at codon 97 is replaced by glutamine, an amino acid with similar properties. This amino acid position is conserved. In addition, this alteration is predicted to be deleterious by in silico analysis. Based on the available evidence, the clinical significance of this variant remains unclear.

NM_004304.5(ALK):c.290C>A (p.Pro97Gln)

Gene: ALK (ALK receptor tyrosine kinase; minus strand). Cytogenetic location: 2p23.1.
Variant type: single nucleotide variant.
Coding change: c.290C>A on transcript NM_004304.5 (MANE Select); coding-DNA position 290, C replaced by A.
Protein change: p.Pro97Gln; replaces proline 97 with glutamine.
Molecular consequence: missense variant.
Genome position (GRCh38, 1-based): chr2:29,920,370, G>T on the plus strand (C>A on the coding strand, the complement: ALK is on the minus strand). VCF-style: chr2-29920370-G-T. GRCh37 (hg19) VCF-style: chr2-30143236-G-T.
Other names: short protein forms P97Q.
Identifiers: ClinVar variation 3855331 (VCV003855331.1).